The following is an entry in ClinVar:

NM_015910.7(WDPCP):c.955T>G (p.Tyr319Asp)

Gene: WDPCP (WD repeat containing planar cell polarity effector; minus strand). Cytogenetic location: 2p15.
Variant type: single nucleotide variant.
Coding change: c.955T>G on transcript NM_015910.7 (MANE Select); coding-DNA position 955, T replaced by G.
Protein change: p.Tyr319Asp; replaces tyrosine 319 with aspartic acid.
Molecular consequence: missense variant. On other transcripts: non-coding transcript variant (3).
Genome position (GRCh38, 1-based): chr2:63,404,528, A>C on the plus strand (T>G on the coding strand, the complement: WDPCP is on the minus strand). VCF-style: chr2-63404528-A-C. GRCh37 (hg19) VCF-style: chr2-63631663-A-C.
Other names: c.478T>G, p.Tyr160Asp (NM_001042692.3); c.883T>G, p.Tyr295Asp (NM_001354044.2); c.955T>G, p.Tyr319Asp (NM_001354045.2); short protein forms Y319D, Y160D, Y295D.
Identifiers: ClinVar variation 216695 (VCV000216695.8), dbSNP rs863224771, ClinGen allele CA337589.
Genomic context (GRCh38, chr2:63,404,528, plus strand): 5'-TTGACTTTAGTGGTATTCTGGTGACTGACACACACTGGATTTTATTCCGAATGCATTCAT[A>C]GATGCAGCTGTCAGCCATGGGCTCTTTGTCTACACTTACGGAGTGCTCCACTGTGAACAC-3'
Protein context (NP_056994.3, residues 309-329): DKEPMADSCI[Tyr319Asp]ECIRNKIQCV

ClinVar aggregate classification (germline): Uncertain significance (1 of 4 stars; one submission).

Conditions:
Bardet-Biedl syndrome (BBS). Identifiers: Orphanet 110, MedGen C0752166, MONDO:0015229.

Submission:

Labcorp Genetics (formerly Invitae), Labcorp
Classification: Uncertain significance for Bardet-Biedl syndrome. Last evaluated: 2022-02-24. Review status: criteria provided, single submitter. Criteria: Invitae Variant Classification Sherloc (09022015). Collection method: clinical testing. Allele origin: germline.
Comment: This variant has not been reported in the literature in individuals affected with WDPCP-related conditions. In summary, the available evidence is currently insufficient to determine the role of this variant in disease. Therefore, it has been classified as a Variant of Uncertain Significance. Algorithms developed to predict the effect of missense changes on protein structure and function (SIFT, PolyPhen-2, Align-GVGD) all suggest that this variant is likely to be disruptive. ClinVar contains an entry for this variant (Variation ID: 216695). This variant is not present in population databases (gnomAD no frequency). This sequence change replaces tyrosine, which is neutral and polar, with aspartic acid, which is acidic and polar, at codon 319 of the WDPCP protein (p.Tyr319Asp).